The following is an entry in ClinVar:

NM_006302.3(MOGS):c.1928T>G (p.Leu643Arg)

Gene: MOGS (mannosyl-oligosaccharide glucosidase; minus strand). Cytogenetic location: 2p13.1.
Variant type: single nucleotide variant.
Coding change: c.1928T>G on transcript NM_006302.3 (MANE Select); coding-DNA position 1928, T replaced by G.
Protein change: p.Leu643Arg; replaces leucine 643 with arginine.
Molecular consequence: missense variant.
Genome position (GRCh38, 1-based): chr2:74,461,861, A>C on the plus strand (T>G on the coding strand, the complement: MOGS is on the minus strand). VCF-style: chr2-74461861-A-C. GRCh37 (hg19) VCF-style: chr2-74688988-A-C.
Other names: c.1610T>G, p.Leu537Arg (NM_001146158.2); c.1928T>G (NM_006302.2); short protein forms L537R, L643R.
Identifiers: ClinVar variation 1045263 (VCV001045263.8), dbSNP rs368038442, ClinGen allele CA1724697.

ClinVar aggregate classification (germline): Uncertain significance. Review status: criteria provided, multiple submitters, no conflicts (2 of 4 stars). 2 submissions from 2 submitters: Uncertain significance (2). Last evaluated 2025-08-29.

Conditions:
Inborn genetic diseases. Identifiers: MedGen C0950123, MeSH D030342.
MOGS-congenital disorder of glycosylation. Also called: MOGS-CDG; CDG IIb; GLUCOSIDASE I DEFICIENCY; CDG 2B. Identifiers: Orphanet 79330, MedGen C1853736, MONDO:0011629, OMIM 606056.

Allele frequency attached by ClinVar (database versions not stated): ExAC 0.00001; gnomAD 0.00001; gnomAD exomes 0.00001 and 0.00003; TOPMed 0.00001; ESP Exome Variant Server 0.00008.
gnomAD v4.1: 49 of 1,613,976 alleles (0.003%); highest among the groups gnomAD compares: Non-Finnish European, 0.0038%; no homozygotes.

Submissions (2):

Ambry Genetics
Classification: Uncertain significance for Inborn genetic diseases. Last evaluated: 2025-08-29. Review status: criteria provided, single submitter. Criteria: Ambry Variant Classification Scheme 2023. Collection method: clinical testing. Allele origin: germline.

Labcorp Genetics (formerly Invitae), Labcorp
Classification: Uncertain significance for MOGS-congenital disorder of glycosylation. Last evaluated: 2021-08-27. Review status: criteria provided, single submitter. Criteria: Invitae Variant Classification Sherloc (09022015). Collection method: clinical testing. Allele origin: germline.
Comment: This sequence change replaces leucine with arginine at codon 643 of the MOGS protein (p.Leu643Arg). The leucine residue is highly conserved and there is a moderate physicochemical difference between leucine and arginine. This variant is present in population databases (rs368038442, ExAC 0.002%). This variant has not been reported in the literature in individuals affected with MOGS-related conditions. Algorithms developed to predict the effect of missense changes on protein structure and function are either unavailable or do not agree on the potential impact of this missense change (SIFT: "Deleterious"; PolyPhen-2: "Probably Damaging"; Align-GVGD: "Class C0"). In summary, the available evidence is currently insufficient to determine the role of this variant in disease. Therefore, it has been classified as a Variant of Uncertain Significance.